The following is an entry in ClinVar:

ClinVar aggregate classification (germline): Conflicting classifications of pathogenicity. Review status: criteria provided, conflicting classifications (1 of 4 stars). 2 submissions from 2 submitters: Uncertain significance (1); Likely benign (1). Last evaluated 2026-06-09.

Conditions:
Hereditary cancer-predisposing syndrome. Also called: Hereditary Cancer Syndrome; Neoplastic Syndromes, Hereditary; Tumor predisposition; Hereditary neoplastic syndrome. Identifiers: Orphanet 140162, MedGen C0027672, MeSH D009386, MONDO:0015356.

Submissions (2):

Ambry Genetics
Classification: Likely benign for Hereditary cancer-predisposing syndrome. Last evaluated: 2026-06-09. Review status: criteria provided, single submitter. Criteria: Ambry Variant Classification Scheme 2023. Collection method: clinical testing. Allele origin: germline.

Color Diagnostics, LLC DBA Color Health
Classification: Uncertain significance for Hereditary cancer-predisposing syndrome. Last evaluated: 2019-08-30. Review status: criteria provided, single submitter. Criteria: ACMG Guidelines, 2015. Collection method: clinical testing. Allele origin: germline.
Comment: This missense variant replaces methionine with valine at codon 303 of the MSH6 protein. Computational prediction tools and conservation analyses suggest that this variant may not impact protein structure and function. Splice site prediction tools suggest that this variant may not impact RNA splicing. To our knowledge, functional studies have not been performed for this variant. This variant has not been reported in individuals affected with hereditary cancer in the literature. This variant has not been identified in the general population by the Genome Aggregation Database (gnomAD). The available evidence is insufficient to determine the role of this variant in disease conclusively. Therefore, this variant is classified as a Variant of Uncertain Significance.

NM_000179.3(MSH6):c.907A>G (p.Met303Val)

Gene: MSH6 (mutS homolog 6; plus strand). Cytogenetic location: 2p16.3.
Variant type: single nucleotide variant.
Coding change: c.907A>G on transcript NM_000179.3 (MANE Select); coding-DNA position 907, A replaced by G.
Protein change: p.Met303Val; replaces methionine 303 with valine.
Molecular consequence: missense variant. On other transcripts: initiator codon variant (2).
Genome position (GRCh38, 1-based): chr2:47,798,890, A>G. VCF-style: chr2-47798890-A-G. GRCh37 (hg19) VCF-style: chr2-48026029-A-G.
Other names: c.517A>G, p.Met173Val (NM_001281492.2); c.1A>G, p.Met1Val (NM_001281493.2, NM_001281494.2); short protein forms M173V, M1V, M303V.
Identifiers: ClinVar variation 927069 (VCV000927069.5), dbSNP rs977576724, ClinGen allele CA346740712.